The following is an entry in ClinVar:

NM_016648.4(LARP7):c.961dup (p.Ile321fs)

Genes: LARP7 (La ribonucleoprotein 7, transcriptional regulator; plus strand), MIR302CHG (miR-302/367 cluster host gene; minus strand). Cytogenetic location: 4q25.
Variant type: Duplication.
Coding change: c.961dup on transcript NM_016648.4 (MANE Select); coding-DNA position 961, one base duplicated (A; older notation c.961dupA).
Protein change: p.Ile321fs; shifts the reading frame from isoleucine 321.
Molecular consequence: frameshift variant.
Genome position (GRCh38, 1-based): chr4:112,647,513, A duplicated. VCF-style (leftmost placement, unchanged base first): chr4-112647512-C-CA. GRCh37 (hg19) VCF-style: chr4-113568668-C-CA.
Other names: c.961dup, p.Ile321fs (NM_001370975.1, NM_001370978.1, NM_015454.3 and 2 more transcripts); c.958dup, p.Ile320fs (NM_001370976.1, NM_001370977.1, NM_001370979.1 and 1 more transcripts); c.724dup, p.Ile242fs (NM_001370981.1, NM_001370982.1); short protein forms I242fs, I320fs, I321fs.
Identifiers: ClinVar variation 2135121 (VCV002135121.4), dbSNP rs2477789703, ClinGen allele CA2580071416.

ClinVar aggregate classification (germline): Pathogenic (1 of 4 stars; one submission).

Submission:

Labcorp Genetics (formerly Invitae), Labcorp
Classification: Pathogenic. Last evaluated: 2022-05-07. Review status: criteria provided, single submitter. Criteria: Invitae Variant Classification Sherloc (09022015). Collection method: clinical testing. Allele origin: germline.
Comment: For these reasons, this variant has been classified as Pathogenic. This variant has not been reported in the literature in individuals affected with LARP7-related conditions. This variant is not present in population databases (gnomAD no frequency). This sequence change creates a premature translational stop signal (p.Ile321Asnfs*2) in the LARP7 gene. It is expected to result in an absent or disrupted protein product. Loss-of-function variants in LARP7 are known to be pathogenic (PMID: 22865833, 26374271, 26607181).

Literature cited by the submitters: PubMed 22865833; PubMed 26374271; PubMed 26607181.